The following is an entry in ClinVar:

NM_001017420.3(ESCO2):c.1105A>G (p.Lys369Glu)

Gene: ESCO2 (establishment of sister chromatid cohesion N-acetyltransferase 2; plus strand). Cytogenetic location: 8p21.1.
Variant type: single nucleotide variant.
Coding change: c.1105A>G on transcript NM_001017420.3 (MANE Select); coding-DNA position 1105, A replaced by G.
Protein change: p.Lys369Glu; replaces lysine 369 with glutamic acid.
Molecular consequence: missense variant.
Genome position (GRCh38, 1-based): chr8:27,787,976, A>G. VCF-style: chr8-27787976-A-G. GRCh37 (hg19) VCF-style: chr8-27645493-A-G.
Other names: short protein forms K369E.
Identifiers: ClinVar variation 362740 (VCV000362740.13), dbSNP rs202084183, ClinGen allele CA4692214.

ClinVar aggregate classification (germline): Uncertain significance. Review status: criteria provided, multiple submitters, no conflicts (2 of 4 stars). 6 submissions from 6 submitters: Uncertain significance (6). Last evaluated 2026-05-19.

Conditions:
Juberg-Hayward syndrome (JHS). Also called: Cleft lip/palate with abnormal thumbs and microcephaly; OROCRANIODIGITAL SYNDROME. Identifiers: Orphanet 2319, MedGen C0796099, MONDO:0008992, OMIM 216100.
Roberts-SC phocomelia syndrome (RBS). Also called: ESCO2 Spectrum Disorder; Hypomelia hypotrichosis facial hemangioma syndrome; Pseudothalidomide syndrome; Appelt-Gerken-Lenz syndrome; LONG BONE DEFICIENCIES ASSOCIATED WITH CLEFT LIP-PALATE. Identifiers: Orphanet 3103, MedGen C0392475, MONDO:0100253, OMIM 268300.
Inborn genetic diseases. Identifiers: MedGen C0950123, MeSH D030342.

Allele frequency attached by ClinVar (database versions not stated): 1000 Genomes Project 0.00020; gnomAD exomes 0.00029; ESP Exome Variant Server 0.00031; gnomAD 0.00033 and 0.00034; ExAC 0.00035; TOPMed 0.00039; 1000 Genomes Project 30x 0.00047.
gnomAD v4.1: 744 of 1,612,502 alleles (0.046%); highest among the groups gnomAD compares: Non-Finnish European, 0.057%; no homozygotes.

Submissions (6):

GeneDx
Classification: Uncertain significance. Last evaluated: 2026-05-19. Review status: criteria provided, single submitter. Criteria: GeneDx Variant Classification Process June 2021. Collection method: clinical testing. Allele origin: germline.
Comment: In silico analysis indicates that this missense variant does not alter protein structure/function; Has not been previously published as pathogenic or benign to our knowledge; This variant is associated with the following publications: (PMID: Sahar2020[Computational])

Ambry Genetics
Classification: Uncertain significance for Inborn genetic diseases. Last evaluated: 2025-11-03. Review status: criteria provided, single submitter. Criteria: Ambry Variant Classification Scheme 2023. Collection method: clinical testing. Allele origin: germline.

Blueprint Genetics
Classification: Uncertain significance. Last evaluated: 2024-11-25. Review status: criteria provided, single submitter. Criteria: ACMG Guidelines, 2015. Collection method: clinical testing. Allele origin: germline.

Fulgent Genetics
Classification: Uncertain significance for Juberg-Hayward syndrome; Roberts-SC phocomelia syndrome. Last evaluated: 2024-01-09. Review status: criteria provided, single submitter. Criteria: ACMG Guidelines, 2015. Collection method: clinical testing. Allele origin: germline.

Labcorp Genetics (formerly Invitae), Labcorp
Classification: Uncertain significance. Last evaluated: 2022-08-31. Review status: criteria provided, single submitter. Criteria: Invitae Variant Classification Sherloc (09022015). Collection method: clinical testing. Allele origin: germline.
Comment: This sequence change replaces lysine, which is basic and polar, with glutamic acid, which is acidic and polar, at codon 369 of the ESCO2 protein (p.Lys369Glu). This variant is present in population databases (rs202084183, gnomAD 0.05%). This variant has not been reported in the literature in individuals affected with ESCO2-related conditions. ClinVar contains an entry for this variant (Variation ID: 362740). Algorithms developed to predict the effect of missense changes on protein structure and function (SIFT, PolyPhen-2, Align-GVGD) all suggest that this variant is likely to be tolerated. In summary, the available evidence is currently insufficient to determine the role of this variant in disease. Therefore, it has been classified as a Variant of Uncertain Significance.

Illumina Laboratory Services, Illumina
Classification: Uncertain significance for Roberts-SC phocomelia syndrome. Last evaluated: 2018-01-13. Review status: criteria provided, single submitter. Criteria: ICSL Variant Classification Criteria 13 December 2019. Collection method: clinical testing. Allele origin: germline.